The following is an entry in ClinVar:

NM_001356.5(DDX3X):c.1781G>A (p.Ser594Asn)

Gene: DDX3X (DEAD-box helicase 3 X-linked; plus strand). Cytogenetic location: Xp11.4.
Variant type: single nucleotide variant.
Coding change: c.1781G>A on transcript NM_001356.5 (MANE Select); coding-DNA position 1781, G replaced by A.
Protein change: p.Ser594Asn; replaces serine 594 with asparagine.
Molecular consequence: missense variant. On other transcripts: non-coding transcript variant (1).
Genome position (GRCh38, 1-based): chrX:41,347,323, G>A. VCF-style: chrX-41347323-G-A. GRCh37 (hg19) VCF-style: chrX-41206576-G-A.
Other names: c.1778G>A, p.Ser593Asn (NM_001193416.3); c.1733G>A, p.Ser578Asn (NM_001193417.3); c.1220G>A, p.Ser407Asn (NM_001363819.1); short protein forms S407N, S578N, S594N, S593N.
Identifiers: ClinVar variation 2970304 (VCV002970304.3), dbSNP rs761434235, ClinGen allele CA10389713.
Genomic context (GRCh38, chrX:41,347,323, plus strand): 5'-TTAGTGGAATTTCATCTTCATGTGAACCAACATAATTTTTTTCTTATAGTAGCAGATTTA[G>A]TGGAGGGTTTGGTGCCAGAGACTACCGACAAAGTAGCGGTGCCAGCAGTTCCAGCTTCAG-3'
Protein context (NP_001347.3, residues 584-604): SRGRSKSSRF[Ser594Asn]GGFGARDYRQ

ClinVar aggregate classification (germline): Uncertain significance (1 of 4 stars; one submission).

Allele frequency attached by ClinVar (database versions not stated): ExAC 0.00001; TOPMed 0.00001; gnomAD 0.00003; gnomAD exomes 0.00004.
gnomAD v4.1: 50 of 1,206,116 alleles (0.0041%); highest among the groups gnomAD compares: Non-Finnish European, 0.0056%; no homozygotes.

Submission:

Labcorp Genetics (formerly Invitae), Labcorp
Classification: Uncertain significance. Last evaluated: 2023-10-14. Review status: criteria provided, single submitter. Criteria: Invitae Variant Classification Sherloc (09022015). Collection method: clinical testing. Allele origin: germline.
Comment: This sequence change replaces serine, which is neutral and polar, with asparagine, which is neutral and polar, at codon 593 of the DDX3X protein (p.Ser593Asn). The frequency data for this variant in the population databases is considered unreliable, as metrics indicate poor data quality at this position in the gnomAD database. This variant has not been reported in the literature in individuals affected with DDX3X-related conditions. Experimental studies and prediction algorithms are not available or were not evaluated, and the functional significance of this variant is currently unknown. In summary, the available evidence is currently insufficient to determine the role of this variant in disease. Therefore, it has been classified as a Variant of Uncertain Significance.